The following is an entry in ClinVar:

NM_000593.6(TAP1):c.1995C>T (p.Ile665=)

Gene: TAP1 (transporter 1, ATP binding cassette subfamily B member; minus strand). Cytogenetic location: 6p21.32.
Variant type: single nucleotide variant.
Coding change: c.1995C>T on transcript NM_000593.6 (MANE Select); coding-DNA position 1995, C replaced by T.
Protein change: p.Ile665=; no amino-acid change (isoleucine 665 retained).
Molecular consequence: synonymous variant.
Genome position (GRCh38, 1-based): chr6:32,847,113, G>A on the plus strand (C>T on the coding strand, the complement: TAP1 is on the minus strand). VCF-style: chr6-32847113-G-A. GRCh37 (hg19) VCF-style: chr6-32814890-G-A.
Other names: c.1392C>T, p.Ile464= (NM_001292022.2); c.2175C>T (NM_000593.5).
Identifiers: ClinVar variation 1611288 (VCV001611288.11), dbSNP rs746615939, ClinGen allele CA3746623.

ClinVar aggregate classification (germline): Likely benign. Review status: criteria provided, multiple submitters, no conflicts (2 of 4 stars). 3 submissions from 3 submitters: Likely benign (2). 1 of the submissions does not count toward it. Last evaluated 2025-03-13.

Conditions:
TAP1-related disorder. Also called: TAP1-related condition.
MHC class I deficiency. Identifiers: Orphanet 34592, MedGen C6024714, MONDO:0011476.

Allele frequency attached by ClinVar (database versions not stated): gnomAD exomes 0.00001 and 0.00002; TOPMed 0.00001; ExAC 0.00005.
gnomAD v4.1: 16 of 1,612,978 alleles (0.00099%); highest among the groups gnomAD compares: Middle Eastern, 0.033%; 1 homozygote.

Submissions (3):

Labcorp Genetics (formerly Invitae), Labcorp
Classification: Likely benign for MHC class I deficiency 1. Last evaluated: 2025-03-13. Review status: criteria provided, single submitter. Criteria: Invitae Variant Classification Sherloc (09022015). Collection method: clinical testing. Allele origin: germline.

Blueprint Genetics
Classification: Likely benign. Last evaluated: 2023-11-17. Review status: criteria provided, single submitter. Criteria: ACMG Guidelines, 2015. Collection method: clinical testing. Allele origin: germline.

PreventionGenetics, part of Exact Sciences
Classification: Likely benign for TAP1-related condition. Last evaluated: 2020-02-21. Review status: no assertion criteria provided. Collection method: clinical testing. Allele origin: germline. Not counted in ClinVar's aggregate classification.
Comment: This variant is classified as likely benign based on ACMG/AMP sequence variant interpretation guidelines (Richards et al. 2015 PMID: 25741868, with internal and published modifications).